The following is an entry in ClinVar:

ClinVar aggregate classification (germline): Uncertain significance (1 of 4 stars; one submission).

Conditions:
Primary ciliary dyskinesia. Also called: Ciliary dyskinesia. Identifiers: Orphanet 244, MedGen C0008780, MONDO:0016575, HP:0012265.

Submission:

Labcorp Genetics (formerly Invitae), Labcorp
Classification: Uncertain significance for Primary ciliary dyskinesia. Last evaluated: 2024-11-02. Review status: criteria provided, single submitter. Criteria: Invitae Variant Classification Sherloc (09022015). Collection method: clinical testing. Allele origin: germline.
Comment: This sequence change replaces aspartic acid, which is acidic and polar, with glutamic acid, which is acidic and polar, at codon 2306 of the DNAH5 protein (p.Asp2306Glu). This variant is not present in population databases (gnomAD no frequency). This variant has not been reported in the literature in individuals affected with DNAH5-related conditions. Invitae Evidence Modeling of protein sequence and biophysical properties (such as structural, functional, and spatial information, amino acid conservation, physicochemical variation, residue mobility, and thermodynamic stability) has been performed for this missense variant. However, the output from this modeling did not meet the statistical confidence thresholds required to predict the impact of this variant on DNAH5 protein function. In summary, the available evidence is currently insufficient to determine the role of this variant in disease. Therefore, it has been classified as a Variant of Uncertain Significance.

NM_001369.3(DNAH5):c.6918C>G (p.Asp2306Glu)

Gene: DNAH5 (dynein axonemal heavy chain 5; minus strand). Cytogenetic location: 5p15.2.
Variant type: single nucleotide variant.
Coding change: c.6918C>G on transcript NM_001369.3 (MANE Select); coding-DNA position 6918, C replaced by G.
Protein change: p.Asp2306Glu; replaces aspartic acid 2306 with glutamic acid.
Molecular consequence: missense variant.
Genome position (GRCh38, 1-based): chr5:13,817,618, G>C on the plus strand (C>G on the coding strand, the complement: DNAH5 is on the minus strand). VCF-style: chr5-13817618-G-C. GRCh37 (hg19) VCF-style: chr5-13817727-G-C.
Other names: short protein forms D2306E.
Identifiers: ClinVar variation 3607384 (VCV003607384.2).